The following is an entry in ClinVar:

ClinVar aggregate classification (germline): Uncertain significance (1 of 4 stars; one submission).

Conditions:
Primary familial hypertrophic cardiomyopathy (HCM). Identifiers: Orphanet 99739, MedGen C0949658, MeSH D024741, MONDO:0024573. Inheritance: Various modes of inheritance.

Allele frequency attached by ClinVar (database versions not stated): gnomAD exomes 0.00001.
gnomAD v4.1: 10 of 1,614,088 alleles (0.00062%); highest among the groups gnomAD compares: East Asian, 0.0022%; no homozygotes.

Submission:

Labcorp Genetics (formerly Invitae), Labcorp
Classification: Uncertain significance for Primary familial hypertrophic cardiomyopathy. Last evaluated: 2022-06-22. Review status: criteria provided, single submitter. Criteria: Invitae Variant Classification Sherloc (09022015). Collection method: clinical testing. Allele origin: germline.
Comment: This variant has not been reported in the literature in individuals affected with ILK-related conditions. The frequency data for this variant in the population databases is considered unreliable, as metrics indicate poor data quality at this position in the gnomAD database. This sequence change creates a premature translational stop signal (p.Arg178*) in the ILK gene. It is expected to result in an absent or disrupted protein product. However, the current clinical and genetic evidence is not sufficient to establish whether loss-of-function variants in ILK cause disease. In summary, the available evidence is currently insufficient to determine the role of this variant in disease. Therefore, it has been classified as a Variant of Uncertain Significance.

NM_004517.4(ILK):c.532C>T (p.Arg178Ter)

Genes: ILK (integrin linked kinase; plus strand), TAF10 (TATA-box binding protein associated factor 10; minus strand). Cytogenetic location: 11p15.4.
Variant type: single nucleotide variant.
Coding change: c.532C>T on transcript NM_004517.4 (MANE Select); coding-DNA position 532, C replaced by T.
Protein change: p.Arg178Ter; replaces arginine 178 with a stop codon.
Molecular consequence: nonsense. On other transcripts: synonymous variant (1), 3 prime UTR variant (1).
Genome position (GRCh38, 1-based): chr11:6,608,967, C>T. VCF-style: chr11-6608967-C-T. GRCh37 (hg19) VCF-style: chr11-6630198-C-T.
Other names: c.532C>T, p.Arg178Ter (NM_001014794.3, NM_001014795.3); c.435C>T, p.Pro145= (NM_001278441.2); c.130C>T, p.Arg44Ter (NM_001278442.2); c.*1955G>A (NM_006284.4); short protein forms R44*, R178*.
Identifiers: ClinVar variation 1956157 (VCV001956157.5), dbSNP rs1375799547, ClinGen allele CA379460229.